The following is an entry in ClinVar:

NM_182493.3(MYLK3):c.2048T>C (p.Val683Ala)

Gene: MYLK3 (myosin light chain kinase 3; minus strand). Cytogenetic location: 16q11.2.
Variant type: single nucleotide variant.
Coding change: c.2048T>C on transcript NM_182493.3 (MANE Select); coding-DNA position 2048, T replaced by C.
Protein change: p.Val683Ala; replaces valine 683 with alanine.
Molecular consequence: missense variant.
Genome position (GRCh38, 1-based): chr16:46,712,714, A>G on the plus strand (T>C on the coding strand, the complement: MYLK3 is on the minus strand). VCF-style: chr16-46712714-A-G. GRCh37 (hg19) VCF-style: chr16-46746626-A-G.
Other names: c.1025T>C, p.Val342Ala (NM_001308301.1); short protein forms V342A, V683A.
Identifiers: ClinVar variation 2850974 (VCV002850974.3), dbSNP rs2548898876, ClinGen allele CA395787881.

ClinVar aggregate classification (germline): Uncertain significance (1 of 4 stars; one submission).

Submission:

Labcorp Genetics (formerly Invitae), Labcorp
Classification: Uncertain significance. Last evaluated: 2023-12-06. Review status: criteria provided, single submitter. Criteria: Invitae Variant Classification Sherloc (09022015). Collection method: clinical testing. Allele origin: germline.
Comment: This sequence change replaces valine, which is neutral and non-polar, with alanine, which is neutral and non-polar, at codon 683 of the MYLK3 protein (p.Val683Ala). This variant is not present in population databases (gnomAD no frequency). This variant has not been reported in the literature in individuals affected with MYLK3-related conditions. An algorithm developed to predict the effect of missense changes on protein structure and function (PolyPhen-2) suggests that this variant is likely to be disruptive. In summary, the available evidence is currently insufficient to determine the role of this variant in disease. Therefore, it has been classified as a Variant of Uncertain Significance.